The following is an entry in ClinVar:

NM_032120.4(RBM48):c.146T>G (p.Leu49Ter)

Gene: RBM48 (RNA binding motif protein 48; plus strand). Cytogenetic location: 7q21.2.
Variant type: single nucleotide variant.
Coding change: c.146T>G on transcript NM_032120.4 (MANE Select); coding-DNA position 146, T replaced by G.
Protein change: p.Leu49Ter; replaces leucine 49 with a stop codon.
Molecular consequence: nonsense. On other transcripts: 5 prime UTR variant (1).
Genome position (GRCh38, 1-based): chr7:92,529,510, T>G. VCF-style: chr7-92529510-T-G. GRCh37 (hg19) VCF-style: chr7-92158824-T-G.
Other names: c.146T>G, p.Leu49Ter (NM_001363366.1); c.-544T>G (NM_001363367.1); short protein forms L49*.
Identifiers: ClinVar variation 4809207 (VCV004809207.1).

ClinVar aggregate classification (germline): Uncertain significance (1 of 4 stars; one submission).

Submission:

Labcorp Genetics (formerly Invitae), Labcorp
Classification: Uncertain significance. Last evaluated: 2025-11-04. Review status: criteria provided, single submitter. Criteria: Invitae Variant Classification Sherloc (09022015). Collection method: clinical testing. Allele origin: germline.
Comment: This sequence change creates a premature translational stop signal (p.Leu49*) in the RBM48 gene. It is expected to result in an absent or disrupted protein product. However, the current clinical and genetic evidence is not sufficient to establish whether loss-of-function variants in RBM48 cause disease. This variant is not present in population databases (gnomAD no frequency). This variant has not been reported in the literature in individuals affected with RBM48-related conditions. In summary, the available evidence is currently insufficient to determine the role of this variant in disease. Therefore, it has been classified as a Variant of Uncertain Significance.